The following is an entry in ClinVar:

NM_020928.2(ZSWIM6):c.583G>A (p.Gly195Arg)

Gene: ZSWIM6 (zinc finger SWIM-type containing 6; plus strand). Cytogenetic location: 5q12.1.
Variant type: single nucleotide variant.
Coding change: c.583G>A on transcript NM_020928.2 (MANE Select); coding-DNA position 583, G replaced by A.
Protein change: p.Gly195Arg; replaces glycine 195 with arginine.
Molecular consequence: missense variant.
Genome position (GRCh38, 1-based): chr5:61,332,855, G>A. VCF-style: chr5-61332855-G-A. GRCh37 (hg19) VCF-style: chr5-60628682-G-A.
Other names: short protein forms G195R.
Identifiers: ClinVar variation 1464100 (VCV001464100.8), dbSNP rs1378516846, ClinGen allele CA359941004.
Genomic context (GRCh38, chr5:61,332,855, plus strand): 5'-GCCGCCGCCGCCGCCGCCGCCGCCGCCGCGGGGGCCGGGGCCCCGTCGGTGGGGGCTGCC[G>A]GGGCGGCGGACGGCGGCGACGAGACGCGGCTGCCTTTCCGCCGGGGCATCGCGCTGTTGG-3'
Protein context (NP_065979.1, residues 185-205): GAGAPSVGAA[Gly195Arg]AADGGDETRL

ClinVar aggregate classification (germline): Uncertain significance (1 of 4 stars; one submission).

Allele frequency attached by ClinVar (database versions not stated): gnomAD 0.00001.
gnomAD v4.1: 4 of 1,180,468 alleles (0.00034%); highest among the groups gnomAD compares: African/African-American, 0.0049%; no homozygotes.

Submission:

Labcorp Genetics (formerly Invitae), Labcorp
Classification: Uncertain significance. Last evaluated: 2025-01-06. Review status: criteria provided, single submitter. Criteria: Invitae Variant Classification Sherloc (09022015). Collection method: clinical testing. Allele origin: germline.
Comment: This sequence change replaces glycine, which is neutral and non-polar, with arginine, which is basic and polar, at codon 195 of the ZSWIM6 protein (p.Gly195Arg). This variant is present in population databases (no rsID available, gnomAD 0.01%). This variant has not been reported in the literature in individuals affected with ZSWIM6-related conditions. ClinVar contains an entry for this variant (Variation ID: 1464100). Experimental studies and prediction algorithms are not available or were not evaluated, and the functional significance of this variant is currently unknown. In summary, the available evidence is currently insufficient to determine the role of this variant in disease. Therefore, it has been classified as a Variant of Uncertain Significance.